The following is an entry in ClinVar:

NM_001349253.2(SCN11A):c.4972C>T (p.Arg1658Cys)

Gene: SCN11A (sodium voltage-gated channel alpha subunit 11; minus strand). Cytogenetic location: 3p22.2.
Variant type: single nucleotide variant.
Coding change: c.4972C>T on transcript NM_001349253.2 (MANE Select); coding-DNA position 4972, C replaced by T.
Protein change: p.Arg1658Cys; replaces arginine 1658 with cysteine.
Molecular consequence: missense variant.
Genome position (GRCh38, 1-based): chr3:38,847,098, G>A on the plus strand (C>T on the coding strand, the complement: SCN11A is on the minus strand). VCF-style: chr3-38847098-G-A. GRCh37 (hg19) VCF-style: chr3-38888589-G-A.
Other names: c.4972C>T, p.Arg1658Cys (NM_014139.3); short protein forms R1658C.
Identifiers: ClinVar variation 1744473 (VCV001744473.8), dbSNP rs141896424, ClinGen allele CA2321429.
Genomic context (GRCh38, chr3:38,847,098, plus strand): 5'-CTTCACTCACCATGGGCAAGTCCATTACTAGAAATTGATATTTATTTGGCTTTGCGACAC[G>A]CAAAGGCTCAGGCAAGGCATCAGCAAAGTCAGAAAGGGCAGAATATTTGATAAATTGTGT-3'
Protein context (NP_001336182.1, residues 1648-1668): DFADALPEPL[Arg1658Cys]VAKPNKYQFL

ClinVar aggregate classification (germline): Uncertain significance. Review status: criteria provided, multiple submitters, no conflicts (2 of 4 stars). 3 submissions from 3 submitters: Uncertain significance (3). Last evaluated 2026-09-04.

Conditions:
SCN11A-related disorder. Also called: SCN11A-related condition.
Inborn genetic diseases. Identifiers: MedGen C0950123, MeSH D030342.
Hereditary sensory and autonomic neuropathy type 7. Also called: HSAN VII; Neuropathy, hereditary sensory and autonomic, type VII. Identifiers: Orphanet 391397, MedGen C3809882, MONDO:0014244, OMIM 615548.
Familial episodic pain syndrome with predominantly lower limb involvement. Also called: Episodic pain syndrome, familial, 3. Identifiers: Orphanet 391384, Orphanet 391392, MedGen C3809899, MONDO:0014247, OMIM 615552.

Allele frequency attached by ClinVar (database versions not stated): gnomAD 0.00001; ExAC 0.00002; gnomAD exomes 0.00003; ESP Exome Variant Server 0.00008.
gnomAD v4.1: 40 of 1,614,012 alleles (0.0025%); highest among the groups gnomAD compares: East Asian, 0.0045%; no homozygotes.

Submissions (3):

PreventionGenetics, part of Exact Sciences
Classification: Uncertain significance for SCN11A-related condition. Last evaluated: 2026-09-04. Review status: criteria provided, single submitter. Criteria: ACMG Guidelines, 2015. Collection method: clinical testing. Allele origin: germline.
Comment: The SCN11A c.4972C>T variant is predicted to result in the amino acid substitution p.Arg1658Cys. To our knowledge, this variant has not been reported in the literature. This variant is reported in 0.0040% of alleles in individuals of African descent in gnomAD. At this time, the clinical significance of this variant is uncertain due to the absence of conclusive functional and genetic evidence.

Labcorp Genetics (formerly Invitae), Labcorp
Classification: Uncertain significance for Familial episodic pain syndrome with predominantly lower limb involvement; Hereditary sensory and autonomic neuropathy type 7. Last evaluated: 2024-09-21. Review status: criteria provided, single submitter. Criteria: Invitae Variant Classification Sherloc (09022015). Collection method: clinical testing. Allele origin: germline.
Comment: This sequence change replaces arginine, which is basic and polar, with cysteine, which is neutral and slightly polar, at codon 1658 of the SCN11A protein (p.Arg1658Cys). This variant is present in population databases (rs141896424, gnomAD 0.004%). This variant has not been reported in the literature in individuals affected with SCN11A-related conditions. ClinVar contains an entry for this variant (Variation ID: 1744473). Invitae Evidence Modeling of protein sequence and biophysical properties (such as structural, functional, and spatial information, amino acid conservation, physicochemical variation, residue mobility, and thermodynamic stability) indicates that this missense variant is expected to disrupt SCN11A protein function with a positive predictive value of 80%. In summary, the available evidence is currently insufficient to determine the role of this variant in disease. Therefore, it has been classified as a Variant of Uncertain Significance.

Ambry Genetics
Classification: Uncertain significance for Inborn genetic diseases. Last evaluated: 2022-09-16. Review status: criteria provided, single submitter. Criteria: Ambry Variant Classification Scheme 2023. Collection method: clinical testing. Allele origin: germline.
Comment: The p.R1658C variant (also known as c.4972C>T), located in coding exon 26 of the SCN11A gene, results from a C to T substitution at nucleotide position 4972. The arginine at codon 1658 is replaced by cysteine, an amino acid with highly dissimilar properties. This amino acid position is well conserved in available vertebrate species. In addition, the in silico prediction for this alteration is inconclusive. Since supporting evidence is limited at this time, the clinical significance of this alteration remains unclear.